The following is an entry in ClinVar:

ClinVar aggregate classification (germline): Uncertain significance (1 of 4 stars; one submission).

gnomAD v4.1: 11 of 1,551,544 alleles (0.00071%); highest among the groups gnomAD compares: Non-Finnish European, 0.00044%; no homozygotes.

Submission:

Labcorp Genetics (formerly Invitae), Labcorp
Classification: Uncertain significance. Last evaluated: 2025-11-15. Review status: criteria provided, single submitter. Criteria: Invitae Variant Classification Sherloc (09022015). Collection method: clinical testing. Allele origin: germline.
Comment: This sequence change replaces serine, which is neutral and polar, with asparagine, which is neutral and polar, at codon 3005 of the UNC80 protein (p.Ser3005Asn). This variant is present in population databases (rs769490955, gnomAD 0.01%). This variant has not been reported in the literature in individuals affected with UNC80-related conditions. Invitae Evidence Modeling of protein sequence and biophysical properties (such as structural, functional, and spatial information, amino acid conservation, physicochemical variation, residue mobility, and thermodynamic stability) indicates that this missense variant is not expected to disrupt UNC80 protein function with a negative predictive value of 80%. In summary, the available evidence is currently insufficient to determine the role of this variant in disease. Therefore, it has been classified as a Variant of Uncertain Significance.

NM_001371986.1(UNC80):c.9212G>A (p.Ser3071Asn)

Gene: UNC80 (unc-80 subunit of NALCN channel complex; plus strand). Cytogenetic location: 2q34.
Variant type: single nucleotide variant.
Coding change: c.9212G>A on transcript NM_001371986.1 (MANE Select); coding-DNA position 9212, G replaced by A.
Protein change: p.Ser3071Asn; replaces serine 3071 with asparagine.
Molecular consequence: missense variant.
Genome position (GRCh38, 1-based): chr2:209,982,272, G>A. VCF-style: chr2-209982272-G-A. GRCh37 (hg19) VCF-style: chr2-210846996-G-A.
Other names: c.9014G>A, p.Ser3005Asn (NM_032504.2); c.8999G>A, p.Ser3000Asn (NM_182587.4); short protein forms S3000N, S3005N, S3071N.
Identifiers: ClinVar variation 4808833 (VCV004808833.1).
Genomic context (GRCh38, chr2:209,982,272, plus strand): 5'-AACAAGAAGCTTACCTCCTGAGTGCCATTGGAAGGAGGCGATTCTCCAGCCATGTCTCCA[G>A]CATGTCTGTACCTCAGGCTGAGGTGGGCATGCTACCCAGCCAGAGGTAAACAGCTATGGT-3'
Protein context (NP_001358915.1, residues 3061-3081): GRRRFSSHVS[Ser3071Asn]MSVPQAEVGM